The following is an entry in ClinVar:

ClinVar aggregate classification (germline): Uncertain significance (1 of 4 stars; one submission).

gnomAD v4.1: 10 of 1,590,428 alleles (0.00063%); highest among the groups gnomAD compares: African/African-American, 0.0027%; no homozygotes.

Submission:

Labcorp Genetics (formerly Invitae), Labcorp
Classification: Uncertain significance. Last evaluated: 2025-09-09. Review status: criteria provided, single submitter. Criteria: Invitae Variant Classification Sherloc (09022015). Collection method: clinical testing. Allele origin: germline.
Comment: This sequence change replaces arginine, which is basic and polar, with cysteine, which is neutral and slightly polar, at codon 173 of the SLC26A1 protein (p.Arg173Cys). This variant is present in population databases (rs371815691, gnomAD 0.003%). This variant has not been reported in the literature in individuals affected with SLC26A1-related conditions. An algorithm developed to predict the effect of missense changes on protein structure and function (PolyPhen-2) suggests that this variant is likely to be disruptive. In summary, the available evidence is currently insufficient to determine the role of this variant in disease. Therefore, it has been classified as a Variant of Uncertain Significance.

NM_022042.4(SLC26A1):c.517C>T (p.Arg173Cys)

Genes: IDUA (alpha-L-iduronidase; plus strand), SLC26A1 (solute carrier family 26 member 1; minus strand). Cytogenetic location: 4p16.3.
Variant type: single nucleotide variant.
Coding change: c.517C>T on transcript NM_022042.4 (MANE Select); coding-DNA position 517, C replaced by T.
Protein change: p.Arg173Cys; replaces arginine 173 with cysteine.
Molecular consequence: missense variant. On other transcripts: intron variant (1).
Genome position (GRCh38, 1-based): chr4:991,187, G>A on the plus strand (C>T on the coding strand, the complement: SLC26A1 is on the minus strand). VCF-style: chr4-991187-G-A. GRCh37 (hg19) VCF-style: chr4-984975-G-A.
Other names: c.517C>T, p.Arg173Cys (NM_134425.4, NM_213613.4); c.299+3238G>A (NM_000203.5); short protein forms R173C.
Identifiers: ClinVar variation 4743772 (VCV004743772.1).